The following is an entry in ClinVar:

ClinVar aggregate classification (germline): Benign (0 of 4 stars; one submission).

Conditions:
MYO9B-related disorder. Also called: MYO9B-related condition.

Allele frequency attached by ClinVar (database versions not stated): ExAC 0.05008.

Submission:

PreventionGenetics, part of Exact Sciences
Classification: Benign for MYO9B-related condition. Last evaluated: 2019-05-28. Review status: no assertion criteria provided. Collection method: clinical testing. Allele origin: germline.
Comment: This variant is classified as benign based on ACMG/AMP sequence variant interpretation guidelines (Richards et al. 2015 PMID: 25741868, with internal and published modifications).

NM_004145.4(MYO9B):c.5258-9A>C

Gene: MYO9B (myosin IXB; plus strand). Cytogenetic location: 19p13.11.
Variant type: single nucleotide variant.
Coding change: c.5258-9A>C on transcript NM_004145.4 (MANE Select); 9 bases into the intron before coding-DNA position 5258, A replaced by C.
Molecular consequence: intron variant.
Genome position (GRCh38, 1-based): chr19:17,206,239, A>C. VCF-style: chr19-17206239-A-C. GRCh37 (hg19) VCF-style: chr19-17317048-A-C.
Other names: c.5258-9A>C (NM_001130065.2).
Identifiers: ClinVar variation 3043873 (VCV003043873.2), dbSNP rs770993743, ClinGen allele CA9288510.